The following is an entry in ClinVar:

NM_000179.3(MSH6):c.3157T>G (p.Cys1053Gly)

Gene: MSH6 (mutS homolog 6; plus strand). Cytogenetic location: 2p16.3.
Variant type: single nucleotide variant.
Coding change: c.3157T>G on transcript NM_000179.3 (MANE Select); coding-DNA position 3157, T replaced by G.
Protein change: p.Cys1053Gly; replaces cysteine 1053 with glycine.
Molecular consequence: missense variant.
Genome position (GRCh38, 1-based): chr2:47,801,140, T>G. VCF-style: chr2-47801140-T-G. GRCh37 (hg19) VCF-style: chr2-48028279-T-G.
Other names: c.2767T>G, p.Cys923Gly (NM_001281492.2); c.2251T>G, p.Cys751Gly (NM_001281493.2, NM_001281494.2, NM_001406811.1 and 6 more transcripts); c.3253T>G, p.Cys1085Gly (NM_001406795.1, NM_001406802.1); c.3157T>G, p.Cys1053Gly (NM_001406796.1, NM_001406798.1, NM_001406800.1 and 2 more transcripts); c.2860T>G, p.Cys954Gly (NM_001406797.1, NM_001406801.1, NM_001406805.1 and 10 more transcripts); c.2632T>G, p.Cys878Gly (NM_001406799.1, NM_001406806.1, NM_001406807.1); c.3079T>G, p.Cys1027Gly (NM_001406804.1); c.3163T>G, p.Cys1055Gly (NM_001406813.1); and 2 more; short protein forms C1055G, C368G, C923G, C1027G, C1053G, C1085G, C751G, C878G.
Identifiers: ClinVar variation 1728247 (VCV001728247.2), dbSNP rs2104443174, ClinGen allele CA346756723.
Genomic context (GRCh38, chr2:47,801,140, plus strand): 5'-ATGCGGCGACTGTTCTATAACTTTGATAAAAATTACAAGGACTGGCAGTCTGCTGTAGAG[T>G]GTATCGCAGTGTTGGGTAAGACTTTGAACAAGCTTGTTCTCAGGCTTTGATAAGTAGTGC-3'
Protein context (NP_000170.1, residues 1043-1063): NYKDWQSAVE[Cys1053Gly]IAVLDVLLCL

ClinVar aggregate classification (germline): Uncertain significance (1 of 4 stars; one submission).

Conditions:
Hereditary cancer-predisposing syndrome. Also called: Tumor predisposition; Neoplastic Syndromes, Hereditary; Hereditary Cancer Syndrome; Hereditary neoplastic syndrome. Identifiers: Orphanet 140162, MedGen C0027672, MeSH D009386, MONDO:0015356.

gnomAD v4.1: 2 of 1,610,740 alleles (0.00012%); highest among the groups gnomAD compares: Non-Finnish European, 0.00017%; no homozygotes.

Submission:

Ambry Genetics
Classification: Uncertain significance for Hereditary cancer-predisposing syndrome. Last evaluated: 2021-12-03. Review status: criteria provided, single submitter. Criteria: Ambry Variant Classification Scheme 2023. Collection method: clinical testing. Allele origin: germline.
Comment: The p.C1053G variant (also known as c.3157T>G), located in coding exon 4 of the MSH6 gene, results from a T to G substitution at nucleotide position 3157. The cysteine at codon 1053 is replaced by glycine, an amino acid with highly dissimilar properties. This amino acid position is highly conserved in available vertebrate species. In addition, this alteration is predicted to be deleterious by in silico analysis. Since supporting evidence is limited at this time, the clinical significance of this alteration remains unclear.